The following is an entry in ClinVar:

ClinVar aggregate classification (germline): Conflicting classifications of pathogenicity. Review status: criteria provided, conflicting classifications (1 of 4 stars). 3 submissions from 3 submitters: Uncertain significance (2); Likely benign (1). Last evaluated 2026-03-23.

Conditions:
Inborn genetic diseases. Identifiers: MedGen C0950123, MeSH D030342.

gnomAD v4.1: 10 of 1,613,898 alleles (0.00062%); highest among the groups gnomAD compares: Non-Finnish European, 0.00085%; no homozygotes.

Submissions (3):

Ambry Genetics
Classification: Likely benign for Inborn genetic diseases. Last evaluated: 2026-03-23. Review status: criteria provided, single submitter. Criteria: Ambry Variant Classification Scheme 2023. Collection method: clinical testing. Allele origin: germline.

Labcorp Genetics (formerly Invitae), Labcorp
Classification: Uncertain significance. Last evaluated: 2024-08-29. Review status: criteria provided, single submitter. Criteria: Invitae Variant Classification Sherloc (09022015). Collection method: clinical testing. Allele origin: germline.
Comment: This sequence change replaces phenylalanine, which is neutral and non-polar, with leucine, which is neutral and non-polar, at codon 7 of the COL10A1 protein (p.Phe7Leu). This variant is not present in population databases (gnomAD no frequency). This variant has not been reported in the literature in individuals affected with COL10A1-related conditions. ClinVar contains an entry for this variant (Variation ID: 452580). An algorithm developed to predict the effect of missense changes on protein structure and function outputs the following: PolyPhen-2: "Not Available". The leucine amino acid residue is found in multiple mammalian species, which suggests that this missense change does not adversely affect protein function. In summary, the available evidence is currently insufficient to determine the role of this variant in disease. Therefore, it has been classified as a Variant of Uncertain Significance.

GeneDx
Classification: Uncertain significance. Last evaluated: 2017-10-09. Review status: criteria provided, single submitter. Criteria: GeneDx Variant Classification (06012015). Collection method: clinical testing. Allele origin: germline. Affected: yes.
Comment: The F7L variant in the COL10A1 gene has not been reported previously as a pathogenic variant, nor as a benign variant, to our knowledge. The F7L variant is not observed in large population cohorts (Lek et al., 2016). The F7L variant is a conservative amino acid substitution, which is not likely to impact secondary protein structure as these residues share similar properties. This substitution occurs at a position where amino acids with similar properties to Phenylalanine are tolerated across species. In silico analysis is inconsistent in its predictions as to whether or not the variant is damaging to the protein structure/function. We interpret F7L as a variant of uncertain significance.

NM_000493.4(COL10A1):c.19T>C (p.Phe7Leu)

Genes: NT5DC1 (5'-nucleotidase domain containing 1; plus strand), COL10A1 (collagen type X alpha 1 chain; minus strand). Cytogenetic location: 6q22.1.
Variant type: single nucleotide variant.
Coding change: c.19T>C on transcript NM_000493.4 (MANE Select); coding-DNA position 19, T replaced by C.
Protein change: p.Phe7Leu; replaces phenylalanine 7 with leucine.
Molecular consequence: missense variant. On other transcripts: intron variant (1).
Genome position (GRCh38, 1-based): chr6:116,125,474, A>G on the plus strand (T>C on the coding strand, the complement: COL10A1 is on the minus strand). VCF-style: chr6-116125474-A-G. GRCh37 (hg19) VCF-style: chr6-116446637-A-G.
Other names: c.19T>C, p.Phe7Leu (NM_001424106.1, NM_001424107.1); c.529+7529A>G (NM_152729.3); short protein forms F7L.
Identifiers: ClinVar variation 452580 (VCV000452580.5), dbSNP rs745826013, ClinGen allele CA365398870.
Genomic context (GRCh38, chr6:116,125,474, plus strand): 5'-TTTGGTATCGTTCAGCGTAAAACACTCCATGAACCAAGTTCAAGGATACTAGCAGCAAAA[A>G]GGGTATTTGTGGCAGCATATTCTCAGATGGATTCTGAAAAACAGAAAAGAATAACTTTAT-3'
Protein context (NP_000484.2, residues 1-17): MLPQIP[Phe7Leu]LLLVSLNLVH